The following is an entry in ClinVar:

ClinVar aggregate classification (germline): Uncertain significance (1 of 4 stars; one submission).

Conditions:
Dystonic disorder. Also called: Dystonia. Identifiers: MedGen C0013421, MONDO:0003441, HP:0001332.

Submission:

Labcorp Genetics (formerly Invitae), Labcorp
Classification: Uncertain significance for Dystonic disorder. Last evaluated: 2021-07-31. Review status: criteria provided, single submitter. Criteria: Invitae Variant Classification Sherloc (09022015). Collection method: clinical testing. Allele origin: germline.
Comment: This sequence change replaces glycine with arginine at codon 275 of the CIZ1 protein (p.Gly275Arg). The glycine residue is highly conserved and there is a moderate physicochemical difference between glycine and arginine. This variant is not present in population databases (ExAC no frequency). In summary, the available evidence is currently insufficient to determine the role of this variant in disease. Therefore, it has been classified as a Variant of Uncertain Significance. Algorithms developed to predict the effect of missense changes on protein structure and function output the following: SIFT: "Deleterious"; PolyPhen-2: "Probably Damaging"; Align-GVGD: "Class C65". The arginine amino acid residue is found in multiple mammalian species, which suggests that this missense change does not adversely affect protein function. This variant has not been reported in the literature in individuals affected with CIZ1-related conditions.

NM_001131016.2(CIZ1):c.823G>C (p.Gly275Arg)

Gene: CIZ1 (CDKN1A interacting zinc finger protein 1; minus strand). Cytogenetic location: 9q34.11.
Variant type: single nucleotide variant.
Coding change: c.823G>C on transcript NM_001131016.2 (MANE Select); coding-DNA position 823, G replaced by C.
Protein change: p.Gly275Arg; replaces glycine 275 with arginine.
Molecular consequence: missense variant.
Genome position (GRCh38, 1-based): chr9:128,179,384, C>G on the plus strand (G>C on the coding strand, the complement: CIZ1 is on the minus strand). VCF-style: chr9-128179384-C-G. GRCh37 (hg19) VCF-style: chr9-130941663-C-G.
Other names: c.823G>C, p.Gly275Arg (NM_001131015.2, NM_012127.3); c.808G>C, p.Gly270Arg (NM_001131017.2); c.751G>C, p.Gly251Arg (NM_001131018.2); c.913G>C, p.Gly305Arg (NM_001257975.2); c.520G>C, p.Gly174Arg (NM_001257976.2); short protein forms G270R, G275R, G305R, G174R, G251R.
Identifiers: ClinVar variation 1494519 (VCV001494519.6), dbSNP rs2130957867, ClinGen allele CA375029652.
Genomic context (GRCh38, chr9:128,179,384, plus strand): 5'-TCTGTGTCTGTTTCGGTACTGTCATCCGGGCCTGCGGCTGGGCCTTCACCTGTAACTGCC[C>G]TGGAGGTTCCTTCTCTGTGGGCTCTTCTGAGCTAGGAAGGATCAAAAAAAAATCCCAGTC-3'
Protein context (NP_001124488.1, residues 265-285): SEEPTEKEPP[Gly275Arg]QLQVKAQPQA